The following is an entry in ClinVar:

NM_001204.7(BMPR2):c.*1466T>G

Gene: BMPR2 (bone morphogenetic protein receptor type 2; plus strand). Cytogenetic location: 2q33.2.
Variant type: single nucleotide variant.
Coding change: c.*1466T>G on transcript NM_001204.7 (MANE Select); 1466 bases downstream of the stop codon, T replaced by G.
Molecular consequence: 3 prime UTR variant.
Genome position (GRCh38, 1-based): chr2:202,561,412, T>G. VCF-style: chr2-202561412-T-G. GRCh37 (hg19) VCF-style: chr2-203426135-T-G.
Other names: c.*1466T>G (LRG_712t1).
Identifiers: ClinVar variation 333672 (VCV000333672.6), dbSNP rs17199242, ClinGen allele CA10613617.

ClinVar aggregate classification (germline): Benign. Review status: criteria provided, multiple submitters, no conflicts (2 of 4 stars). 2 submissions from 2 submitters: Benign (2). Last evaluated 2018-01-13.

Conditions:
Pulmonary hypertension, primary, 1 (PPH1). Also called: Pulmonary hypertension, familial primary, 1, with or without HHT. Identifiers: Orphanet 422, MedGen C4552070, MONDO:0024533, OMIM 178600.

Allele frequency attached by ClinVar (database versions not stated): TOPMed 0.11213; 1000 Genomes Project 30x 0.09275; gnomAD 0.12016 and 0.11936; 1000 Genomes Project 0.09006.

Submissions (2):

Illumina Laboratory Services, Illumina
Classification: Benign for Pulmonary hypertension, primary, 1. Last evaluated: 2018-01-13. Review status: criteria provided, single submitter. Criteria: ICSL Variant Classification Criteria 13 December 2019. Collection method: clinical testing. Allele origin: germline.
Comment: This variant was observed in the ICSL laboratory as part of a predisposition screen in an ostensibly healthy population. It had not been previously curated by ICSL or reported in the Human Gene Mutation Database (HGMD: prior to June 1st, 2018), and was therefore a candidate for classification through an automated scoring system. Utilizing variant allele frequency, disease prevalence and penetrance estimates, and inheritance mode, an automated score was calculated to assess if this variant is too frequent to cause the disease. Based on the score and internal cut-off values, a variant classified as benign is not then subjected to further curation. The score for this variant resulted in a classification of benign for this disease.

Breakthrough Genomics
Classification: Benign. Review status: criteria provided, single submitter. Criteria: ACMG Guidelines, 2015. Collection method: not provided. Allele origin: germline. Inheritance: Autosomal dominant inheritance. Affected: yes.